The following is an entry in ClinVar:

NM_000660.7(TGFB1):c.752A>G (p.His251Arg)

Gene: TGFB1 (transforming growth factor beta 1; minus strand). Cytogenetic location: 19q13.2.
Variant type: single nucleotide variant.
Coding change: c.752A>G on transcript NM_000660.7 (MANE Select); coding-DNA position 752, A replaced by G.
Protein change: p.His251Arg; replaces histidine 251 with arginine.
Molecular consequence: missense variant.
Genome position (GRCh38, 1-based): chr19:41,341,991, T>C on the plus strand (A>G on the coding strand, the complement: TGFB1 is on the minus strand). VCF-style: chr19-41341991-T-C. GRCh37 (hg19) VCF-style: chr19-41847896-T-C.
Other names: short protein forms H251R.
Identifiers: ClinVar variation 2898901 (VCV002898901.4), dbSNP rs918952473, ClinGen allele CA308569313.

ClinVar aggregate classification (germline): Uncertain significance. Review status: criteria provided, multiple submitters, no conflicts (2 of 4 stars). 2 submissions from 2 submitters: Uncertain significance (2). Last evaluated 2025-08-09.

Allele frequency attached by ClinVar (database versions not stated): TOPMed below 0.00001; gnomAD 0.00001; gnomAD exomes 0.00001.

Submissions (2):

Labcorp Genetics (formerly Invitae), Labcorp
Classification: Uncertain significance. Last evaluated: 2025-08-09. Review status: criteria provided, single submitter. Criteria: Invitae Variant Classification Sherloc (09022015). Collection method: clinical testing. Allele origin: germline.
Comment: This sequence change replaces histidine, which is basic and polar, with arginine, which is basic and polar, at codon 251 of the TGFB1 protein (p.His251Arg). This variant is not present in population databases (gnomAD no frequency). This variant has not been reported in the literature in individuals affected with TGFB1-related conditions. ClinVar contains an entry for this variant (Variation ID: 2898901). Invitae Evidence Modeling of protein sequence and biophysical properties (such as structural, functional, and spatial information, amino acid conservation, physicochemical variation, residue mobility, and thermodynamic stability) indicates that this missense variant is not expected to disrupt TGFB1 protein function with a negative predictive value of 80%. In summary, the available evidence is currently insufficient to determine the role of this variant in disease. Therefore, it has been classified as a Variant of Uncertain Significance.

Blueprint Genetics
Classification: Uncertain significance. Last evaluated: 2024-08-05. Review status: criteria provided, single submitter. Criteria: ACMG Guidelines, 2015. Collection method: clinical testing. Allele origin: germline.